The following is an entry in ClinVar:

ClinVar aggregate classification (germline): Benign. Review status: criteria provided, multiple submitters, no conflicts (2 of 4 stars). 2 submissions from 2 submitters: Benign (2). Last evaluated 2018-06-19.

Allele frequency attached by ClinVar (database versions not stated): TOPMed 0.31831; 1000 Genomes Project 30x 0.34984; 1000 Genomes Project 0.36000; gnomAD exomes 0.40840.
gnomAD v4.1: 199,101 of 508,519 alleles (39%); highest among the groups gnomAD compares: South Asian, 57%; 29,053 homozygotes.

Submissions (2):

GeneDx
Classification: Benign. Last evaluated: 2018-06-19. Review status: criteria provided, single submitter. Criteria: GeneDx Variant Classification (06012015). Collection method: clinical testing. Allele origin: germline. Affected: yes.
Comment: This variant is considered likely benign or benign based on one or more of the following criteria: it is a conservative change, it occurs at a poorly conserved position in the protein, it is predicted to be benign by multiple in silico algorithms, and/or has population frequency not consistent with disease.

Breakthrough Genomics
Classification: Benign. Review status: criteria provided, single submitter. Criteria: ACMG Guidelines, 2015. Collection method: not provided. Allele origin: germline. Inheritance: X-linked inheritance. Affected: yes.

NM_002641.4(PIGA):c.-63+140C>G

Gene: PIGA (phosphatidylinositol glycan anchor biosynthesis class A; minus strand). Cytogenetic location: Xp22.2.
Variant type: single nucleotide variant.
Coding change: c.-63+140C>G on transcript NM_002641.4 (MANE Select); 140 bases into the intron after 63 bases upstream of the start codon, C replaced by G.
Molecular consequence: intron variant.
Genome position (GRCh38, 1-based): chrX:15,335,361, G>C on the plus strand (C>G on the coding strand, the complement: PIGA is on the minus strand). VCF-style: chrX-15335361-G-C. GRCh37 (hg19) VCF-style: chrX-15353483-G-C.
Other names: c.13+140C>G (NM_020473.3).
Identifiers: ClinVar variation 667855 (VCV000667855.2), dbSNP rs45538433, ClinGen allele CA326945237.
Genomic context (GRCh38, chrX:15,335,361, plus strand): 5'-TGAGCCAAGGAACCCAGCGCGTCCGCCCTAAACGCACCCTCAGCCCCAACCTACTCTGGA[G>C]ACCCTCCGACCCAACTTCCGGGCTTCGAACCGGGTCGGTTTCACCCCCTCCACCACCCGC-3'